The following is an entry in ClinVar:

ClinVar aggregate classification (germline): Uncertain significance (1 of 4 stars; one submission).

Allele frequency attached by ClinVar (database versions not stated): gnomAD exomes 0.00001; TOPMed 0.00001; ESP Exome Variant Server 0.00008.
gnomAD v4.1: 3 of 1,614,074 alleles (0.00019%); highest among the groups gnomAD compares: Non-Finnish European, 0.00025%; no homozygotes.

Submission:

Labcorp Genetics (formerly Invitae), Labcorp
Classification: Uncertain significance. Last evaluated: 2025-03-13. Review status: criteria provided, single submitter. Criteria: Invitae Variant Classification Sherloc (09022015). Collection method: clinical testing. Allele origin: germline.
Comment: This sequence change replaces glutamic acid, which is acidic and polar, with valine, which is neutral and non-polar, at codon 465 of the SRP72 protein (p.Glu465Val). This variant is present in population databases (rs374241302, gnomAD 0.0009%). This variant has not been reported in the literature in individuals affected with SRP72-related conditions. ClinVar contains an entry for this variant (Variation ID: 1941970). Invitae Evidence Modeling of protein sequence and biophysical properties (such as structural, functional, and spatial information, amino acid conservation, physicochemical variation, residue mobility, and thermodynamic stability) indicates that this missense variant is not expected to disrupt SRP72 protein function with a negative predictive value of 80%. In summary, the available evidence is currently insufficient to determine the role of this variant in disease. Therefore, it has been classified as a Variant of Uncertain Significance.

NM_006947.4(SRP72):c.1394A>T (p.Glu465Val)

Gene: SRP72 (signal recognition particle 72; plus strand). Cytogenetic location: 4q12.
Variant type: single nucleotide variant.
Coding change: c.1394A>T on transcript NM_006947.4 (MANE Select); coding-DNA position 1394, A replaced by T.
Protein change: p.Glu465Val; replaces glutamic acid 465 with valine.
Molecular consequence: missense variant. On other transcripts: non-coding transcript variant (1).
Genome position (GRCh38, 1-based): chr4:56,490,406, A>T. VCF-style: chr4-56490406-A-T. GRCh37 (hg19) VCF-style: chr4-57356572-A-T.
Other names: c.1211A>T, p.Glu404Val (NM_001267722.2); short protein forms E465V, E404V.
Identifiers: ClinVar variation 1941970 (VCV001941970.5), dbSNP rs374241302, ClinGen allele CA97607287.